The following is an entry in ClinVar:

ClinVar aggregate classification (germline): Likely pathogenic (0 of 4 stars; one submission).

Conditions:
Dihydropteridine reductase deficiency (HPABH4C). Also called: BH4-Deficient Hyperphenylalaninemia C; HYPERPHENYLALANINEMIA, TETRAHYDROBIOPTERIN-DEFICIENT, DUE TO DHPR DEFICIENCY; QDPR DEFICIENCY; QUINOID DIHYDROPTERIDINE REDUCTASE DEFICIENCY; Phenylketonuria II; Hyperphenylalaninemia due to dihydropteridine reductase deficiency. Identifiers: Orphanet 226, Orphanet 238583, MedGen C0268465, MONDO:0009862, OMIM 261630.

Submission:

Pediatrics, Sichuan Provincial Hospital For Women And Children
Classification: Likely pathogenic for Dihydropteridine reductase deficiency. Review status: no assertion criteria provided. Collection method: provider interpretation. Allele origin: maternal. Inheritance: Autosomal recessive inheritance. Affected: yes. Observed: 1 hemizygote.
Comment: Phe2442.11umol/L, Phe/Try=20.044, DHPRD was confirmed by DHPR activity detection and gene detection. Xaretrexate was recommended during treatment but was not administered due to financial and purchasing difficulties, and other treatments remained irregular.

NM_000320.3(QDPR):c.419C>A (p.Ala140Asp)

Gene: QDPR (quinoid dihydropteridine reductase; minus strand). Cytogenetic location: 4p15.32.
Variant type: single nucleotide variant.
Coding change: c.419C>A on transcript NM_000320.3 (MANE Select); coding-DNA position 419, C replaced by A.
Protein change: p.Ala140Asp; replaces alanine 140 with aspartic acid.
Molecular consequence: missense variant. On other transcripts: non-coding transcript variant (1).
Genome position (GRCh38, 1-based): chr4:17,501,736, G>T on the plus strand (C>A on the coding strand, the complement: QDPR is on the minus strand). VCF-style: chr4-17501736-G-T. GRCh37 (hg19) VCF-style: chr4-17503359-G-T.
Other names: c.326C>A, p.Ala109Asp (NM_001306140.2); short protein forms A109D, A140D.
Identifiers: ClinVar variation 2444501 (VCV002444501.2), dbSNP rs2474671527, ClinGen allele CA356447730.